The following is an entry in ClinVar:

NM_182746.3(MCM4):c.499C>A (p.Gln167Lys)

Gene: MCM4 (minichromosome maintenance complex component 4; plus strand). Cytogenetic location: 8q11.21.
Variant type: single nucleotide variant.
Coding change: c.499C>A on transcript NM_182746.3 (MANE Select); coding-DNA position 499, C replaced by A.
Protein change: p.Gln167Lys; replaces glutamine 167 with lysine.
Molecular consequence: missense variant.
Genome position (GRCh38, 1-based): chr8:47,962,404, C>A. VCF-style: chr8-47962404-C-A. GRCh37 (hg19) VCF-style: chr8-48874964-C-A.
Other names: c.499C>A, p.Gln167Lys (NM_005914.4); short protein forms Q167K.
Identifiers: ClinVar variation 4071631 (VCV004071631.1).

ClinVar aggregate classification (germline): Uncertain significance (1 of 4 stars; one submission).

gnomAD v4.1: 1 of 1,614,078 alleles (0.000062%); no homozygotes.

Submission:

GeneDx
Classification: Uncertain significance. Last evaluated: 2025-01-25. Review status: criteria provided, single submitter. Criteria: GeneDx Variant Classification Process June 2021. Collection method: clinical testing. Allele origin: germline. Affected: yes.
Comment: Not observed at significant frequency in large population cohorts (gnomAD); In silico analysis indicates that this missense variant does not alter protein structure/function; Has not been previously published as pathogenic or benign to our knowledge